The following is an entry in ClinVar:

NM_001609.4(ACADSB):c.460G>T (p.Gly154Ter)

Gene: ACADSB (acyl-CoA dehydrogenase short/branched chain; plus strand). Cytogenetic location: 10q26.13.
Variant type: single nucleotide variant.
Coding change: c.460G>T on transcript NM_001609.4 (MANE Select); coding-DNA position 460, G replaced by T.
Protein change: p.Gly154Ter; replaces glycine 154 with a stop codon.
Molecular consequence: nonsense.
Genome position (GRCh38, 1-based): chr10:123,040,622, G>T. VCF-style: chr10-123040622-G-T. GRCh37 (hg19) VCF-style: chr10-124800138-G-T.
Other names: c.154G>T, p.Gly52Ter (NM_001330174.3); short protein forms G154*, G52*.
Identifiers: ClinVar variation 5018605 (VCV005018605.2).

ClinVar aggregate classification (germline): Likely pathogenic (1 of 4 stars; one submission).

Conditions:
Deficiency of 2-methylbutyryl-CoA dehydrogenase (ACADSB). Also called: 2-methylbutyrylglycinuria; 2-methylbutyryl-CoA dehydrogenase deficiency; SBCAD deficiency; 2-methylbutyric aciduria; Short branched-chain acyl-CoA dehydrogenase deficiency. Identifiers: Orphanet 79157, MedGen C1864912, MONDO:0012392, OMIM 610006, HP:0020147.

Submission:

Juno Genomics, Hangzhou Juno Genomics, Inc
Classification: Likely pathogenic for Deficiency of 2-methylbutyryl-CoA dehydrogenase. Review status: criteria provided, single submitter. Criteria: ACMG Guidelines, 2015. Collection method: clinical testing. Allele origin: germline.
Comment: Absent from controls (or at extremely low frequency if recessive) in Genome Aggregation Database.;Null variant in a gene where loss of function (LOF) is a known mechanism of disease.